The following is an entry in ClinVar:

ClinVar aggregate classification (germline): Uncertain significance. Review status: criteria provided, multiple submitters, no conflicts (2 of 4 stars). 2 submissions from 2 submitters: Uncertain significance (2). Last evaluated 2025-07-23.

Allele frequency attached by ClinVar (database versions not stated): gnomAD 0.00001; gnomAD exomes 0.00002; TOPMed 0.00002; ExAC 0.00008.
gnomAD v4.1: 38 of 1,589,010 alleles (0.0024%); highest among the groups gnomAD compares: East Asian, 0.0046%; no homozygotes.

Submissions (2):

Labcorp Genetics (formerly Invitae), Labcorp
Classification: Uncertain significance. Last evaluated: 2025-07-23. Review status: criteria provided, single submitter. Criteria: Invitae Variant Classification Sherloc (09022015). Collection method: clinical testing. Allele origin: germline.
Comment: This sequence change replaces alanine, which is neutral and non-polar, with valine, which is neutral and non-polar, at codon 1518 of the MYH7B protein (p.Ala1518Val). The frequency data for this variant in the population databases is considered unreliable, as metrics indicate poor data quality at this position in the gnomAD database. This variant has not been reported in the literature in individuals affected with MYH7B-related conditions. ClinVar contains an entry for this variant (Variation ID: 2356990). Invitae Evidence Modeling of protein sequence and biophysical properties (such as structural, functional, and spatial information, amino acid conservation, physicochemical variation, residue mobility, and thermodynamic stability) indicates that this missense variant is not expected to disrupt MYH7B protein function with a negative predictive value of 80%. In summary, the available evidence is currently insufficient to determine the role of this variant in disease. Therefore, it has been classified as a Variant of Uncertain Significance.

Ambry Genetics
Classification: Uncertain significance. Last evaluated: 2022-05-18. Review status: criteria provided, single submitter. Criteria: Ambry Variant Classification Scheme 2023. Collection method: clinical testing. Allele origin: germline.

NM_020884.7(MYH7B):c.4427C>T (p.Ala1476Val)

Gene: MYH7B (myosin heavy chain 7B; plus strand). Cytogenetic location: 20q11.22.
Variant type: single nucleotide variant.
Coding change: c.4427C>T on transcript NM_020884.7 (MANE Select); coding-DNA position 4427, C replaced by T.
Protein change: p.Ala1476Val; replaces alanine 1476 with valine.
Molecular consequence: missense variant.
Genome position (GRCh38, 1-based): chr20:34,999,292, C>T. VCF-style: chr20-34999292-C-T. GRCh37 (hg19) VCF-style: chr20-33587095-C-T.
Other names: short protein forms A1476V.
Identifiers: ClinVar variation 2356990 (VCV002356990.3), dbSNP rs971127351, ClinGen allele CA9828103.